The following is an entry in ClinVar:

ClinVar aggregate classification (germline): Benign. Review status: criteria provided, multiple submitters, no conflicts (2 of 4 stars). 4 submissions from 4 submitters: Benign (4). Last evaluated 2026-02-02.

Allele frequency attached by ClinVar (database versions not stated): 1000 Genomes Project 30x 0.23282; 1000 Genomes Project 0.23303; gnomAD exomes 0.28692 and 0.25666; ESP Exome Variant Server 0.30520; ExAC 0.26309; TOPMed 0.28775; gnomAD 0.30087 and 0.29434.
gnomAD v4.1: 463,221 of 1,613,556 alleles (29%); highest among the groups gnomAD compares: African/African-American, 35%; 69,117 homozygotes.

Submissions (4):

Labcorp Genetics (formerly Invitae), Labcorp
Classification: Benign. Last evaluated: 2026-02-02. Review status: criteria provided, single submitter. Criteria: Invitae Variant Classification Sherloc (09022015). Collection method: clinical testing. Allele origin: germline.

GeneDx
Classification: Benign. Last evaluated: 2018-06-08. Review status: criteria provided, single submitter. Criteria: GeneDx Variant Classification (06012015). Collection method: clinical testing. Allele origin: germline. Affected: yes.
Comment: This variant is considered likely benign or benign based on one or more of the following criteria: it is a conservative change, it occurs at a poorly conserved position in the protein, it is predicted to be benign by multiple in silico algorithms, and/or has population frequency not consistent with disease.

Breakthrough Genomics
Classification: Benign. Review status: criteria provided, single submitter. Criteria: ACMG Guidelines, 2015. Collection method: not provided. Allele origin: germline. Inheritance: Autosomal recessive inheritance. Affected: yes.

PreventionGenetics, part of Exact Sciences
Classification: Benign. Review status: criteria provided, single submitter. Criteria: ACMG Guidelines, 2015. Collection method: clinical testing. Allele origin: germline.

NM_001080477.4(TENM3):c.3579T>C (p.Tyr1193=)

Gene: TENM3 (teneurin transmembrane protein 3; plus strand). Cytogenetic location: 4q35.1.
Variant type: single nucleotide variant.
Coding change: c.3579T>C on transcript NM_001080477.4 (MANE Select); coding-DNA position 3579, T replaced by C.
Protein change: p.Tyr1193=; no amino-acid change (tyrosine 1193 retained).
Molecular consequence: synonymous variant.
Genome position (GRCh38, 1-based): chr4:182,743,369, T>C. VCF-style: chr4-182743369-T-C. GRCh37 (hg19) VCF-style: chr4-183664522-T-C.
Identifiers: ClinVar variation 257350 (VCV000257350.11), dbSNP rs7654255, ClinGen allele CA3148205.
Genomic context (GRCh38, chr4:182,743,369, plus strand): 5'-GGCCCCAGTGGCGCTAGCTTGTGGGATCGATGGCAGTCTGTACGTAGGCGATTTCAACTA[T>C]GTGCGGCGGATATTCCCTTCTGGAAATGTAACAAGTGTCTTAGAACTAAGGTACGTCTTT-3'
Protein context (NP_001073946.1, residues 1183-1203): DGSLYVGDFN[Tyr1193=]VRRIFPSGNV